The following is an entry in ClinVar:

NM_001042492.3(NF1):c.5469_5470insTT (p.Ile1824fs)

Gene: NF1 (neurofibromin 1; plus strand). Cytogenetic location: 17q11.2.
Variant type: Insertion.
Coding change: c.5469_5470insTT on transcript NM_001042492.3 (MANE Select); coding-DNA positions 5469 to 5470, TT inserted.
Protein change: p.Ile1824fs; shifts the reading frame from isoleucine 1824.
Molecular consequence: frameshift variant.
Genome position: GRCh38 VCF-style: chr17-31327698-C-CTT. GRCh37 (hg19) VCF-style: chr17-29654716-C-CTT.
Other names: c.5406_5407insTT, p.Ile1803Leufs (NM_000267.4); short protein forms I1803fs, I1824fs.
Identifiers: ClinVar variation 662174 (VCV000662174.5), dbSNP rs267606605, ClinGen allele CA915949828.
Genomic context (GRCh38, chr17:31,327,698, plus strand): 5'-TTGCAAACCAGGGCACGCCGCTCACCTTCATGCACCAGGAGTGTGAAGCCATTGTCCAGT[C>CTT]TATCATTCATATCCGGACCCGCTGGGAACTGTCACAGCCCGACTCTATCCCCCAACACAC-3'

ClinVar aggregate classification (germline): Pathogenic (1 of 4 stars; one submission).

Conditions:
Neurofibromatosis, type 1 (NF1). Also called: VON RECKLINGHAUSEN DISEASE; NEUROFIBROMATOSIS, TYPE I, SOMATIC; Peripheral type neurofibromatosis; Neurofibromatosis, type I. Identifiers: Orphanet 636, MedGen C0027831, MONDO:0018975, OMIM 162200. Disease mechanism: loss of function.

Submission:

Labcorp Genetics (formerly Invitae), Labcorp
Classification: Pathogenic for Neurofibromatosis, type 1. Last evaluated: 2018-12-11. Review status: criteria provided, single submitter. Criteria: Invitae Variant Classification Sherloc (09022015). Collection method: clinical testing. Allele origin: germline.
Comment: For these reasons, this variant has been classified as Pathogenic. Loss-of-function variants in NF1 are known to be pathogenic (PMID: 10712197, 23913538). This variant has not been reported in the literature in individuals with NF1-related conditions. This variant is not present in population databases (ExAC no frequency). This sequence change creates a premature translational stop signal (p.Ile1803Leufs*40) in the NF1 gene. It is expected to result in an absent or disrupted protein product.

Literature cited by the submitters: PubMed 10712197; PubMed 23913538.